The following is an entry in ClinVar:

ClinVar aggregate classification (germline): Likely benign (1 of 4 stars; one submission).

Conditions:
CTC1-related disorder. Also called: CTC1-related condition.

gnomAD v4.1: 6 of 1,603,766 alleles (0.00037%); highest among the groups gnomAD compares: Admixed American, 0.0084%; no homozygotes.

Submission:

PreventionGenetics, part of Exact Sciences
Classification: Likely benign for CTC1-related condition. Last evaluated: 2025-05-01. Review status: criteria provided, single submitter. Criteria: ACMG Guidelines, 2015. Collection method: clinical testing. Allele origin: germline.
Comment: This variant is classified as likely benign based on ACMG/AMP sequence variant interpretation guidelines (Richards et al. 2015 PMID: 25741868, with internal and published modifications).

NM_025099.6(CTC1):c.1078-3C>T

Gene: CTC1 (CST telomere replication complex component 1; minus strand). Cytogenetic location: 17p13.1.
Variant type: single nucleotide variant.
Coding change: c.1078-3C>T on transcript NM_025099.6 (MANE Select); 3 bases into the intron before coding-DNA position 1078, C replaced by T.
Molecular consequence: intron variant.
Genome position (GRCh38, 1-based): chr17:8,235,962, G>A on the plus strand (C>T on the coding strand, the complement: CTC1 is on the minus strand). VCF-style: chr17-8235962-G-A. GRCh37 (hg19) VCF-style: chr17-8139280-G-A.
Other names: c.1078-3C>T (NM_001411067.1).
Identifiers: ClinVar variation 4990350 (VCV004990350.1).